The following is an entry in ClinVar:

NM_001252024.2(TRPM1):c.1150G>T (p.Ala384Ser)

Gene: TRPM1 (transient receptor potential cation channel subfamily M member 1; minus strand). Cytogenetic location: 15q13.3.
Variant type: single nucleotide variant.
Coding change: c.1150G>T on transcript NM_001252024.2 (MANE Select); coding-DNA position 1150, G replaced by T.
Protein change: p.Ala384Ser; replaces alanine 384 with serine.
Molecular consequence: missense variant.
Genome position (GRCh38, 1-based): chr15:31,061,454, C>A on the plus strand (G>T on the coding strand, the complement: TRPM1 is on the minus strand). VCF-style: chr15-31061454-C-A. GRCh37 (hg19) VCF-style: chr15-31353657-C-A.
Other names: c.1201G>T, p.Ala401Ser (NM_001252020.2); c.1084G>T, p.Ala362Ser (NM_002420.6); short protein forms A362S, A384S, A401S.
Identifiers: ClinVar variation 943734 (VCV000943734.9), dbSNP rs1238876520, ClinGen allele CA391523101.

ClinVar aggregate classification (germline): Uncertain significance (1 of 4 stars; one submission).

Allele frequency attached by ClinVar (database versions not stated): TOPMed 0.00001.

Submission:

Labcorp Genetics (formerly Invitae), Labcorp
Classification: Uncertain significance. Last evaluated: 2024-04-17. Review status: criteria provided, single submitter. Criteria: Invitae Variant Classification Sherloc (09022015). Collection method: clinical testing. Allele origin: germline.
Comment: This sequence change replaces alanine, which is neutral and non-polar, with serine, which is neutral and polar, at codon 362 of the TRPM1 protein (p.Ala362Ser). This variant is not present in population databases (gnomAD no frequency). This variant has not been reported in the literature in individuals affected with TRPM1-related conditions. ClinVar contains an entry for this variant (Variation ID: 943734). Advanced modeling of protein sequence and biophysical properties (such as structural, functional, and spatial information, amino acid conservation, physicochemical variation, residue mobility, and thermodynamic stability) performed at Invitae indicates that this missense variant is not expected to disrupt TRPM1 protein function with a negative predictive value of 95%. In summary, the available evidence is currently insufficient to determine the role of this variant in disease. Therefore, it has been classified as a Variant of Uncertain Significance.